The following is an entry in ClinVar:

NM_000080.4(CHRNE):c.589G>T (p.Glu197Ter)

Genes: C17orf107 (chromosome 17 open reading frame 107; plus strand), CHRNE (cholinergic receptor nicotinic epsilon subunit; minus strand). Cytogenetic location: 17p13.2.
Variant type: single nucleotide variant.
Coding change: c.589G>T on transcript NM_000080.4 (MANE Select); coding-DNA position 589, G replaced by T.
Protein change: p.Glu197Ter; replaces glutamic acid 197 with a stop codon.
Molecular consequence: nonsense. On other transcripts: 3 prime UTR variant (1).
Genome position (GRCh38, 1-based): chr17:4,901,537, C>A on the plus strand (G>T on the coding strand, the complement: CHRNE is on the minus strand). VCF-style: chr17-4901537-C-A. GRCh37 (hg19) VCF-style: chr17-4804832-C-A.
Other names: c.*1004C>A (NM_001145536.2); short protein forms E197*.
Identifiers: ClinVar variation 2843572 (VCV002843572.3), dbSNP rs2507556956, ClinGen allele CA397305792.

ClinVar aggregate classification (germline): Pathogenic (1 of 4 stars; one submission).

Conditions:
Congenital myasthenic syndrome 4A. Also called: Myasthenic syndrome, congenital, 4a, slow-channel; CONGENITAL MYASTHENIC SYNDROME TYPE Ia1; MYASTHENIC SYNDROME, CONGENITAL, 4A, SLOW-CHANNEL, AUTOSOMAL RECESSIVE. Identifiers: Orphanet 590, MedGen C4225413, MONDO:0011600, OMIM 605809.

Allele frequency attached by ClinVar (database versions not stated): gnomAD exomes below 0.00001.

Submission:

Labcorp Genetics (formerly Invitae), Labcorp
Classification: Pathogenic for Congenital myasthenic syndrome 4A. Last evaluated: 2023-03-07. Review status: criteria provided, single submitter. Criteria: Invitae Variant Classification Sherloc (09022015). Collection method: clinical testing. Allele origin: germline.
Comment: For these reasons, this variant has been classified as Pathogenic. This variant has not been reported in the literature in individuals affected with CHRNE-related conditions. This variant is not present in population databases (gnomAD no frequency). This sequence change creates a premature translational stop signal (p.Glu197*) in the CHRNE gene. It is expected to result in an absent or disrupted protein product. Loss-of-function variants in CHRNE are known to be pathogenic (PMID: 22678886).

Literature cited by the submitters: PubMed 22678886.